The following is an entry in ClinVar:

ClinVar aggregate classification (germline): Uncertain significance (1 of 4 stars; one submission).

Conditions:
Hereditary breast ovarian cancer syndrome. Also called: Hereditary breast and ovarian cancer; Hereditary breast and ovarian cancer syndrome (HBOC); Breast and ovarian cancer; Hereditary breast and/or ovarian cancer syndrome; BRCA1- and BRCA2-Associated Hereditary Breast and Ovarian Cancer; Hereditary breast and ovarian cancer syndrome. Identifiers: Orphanet 145, MedGen C0677776, MeSH D061325, MONDO:0003582. Disease mechanism: loss of function.

Submissions (2):

Labcorp Genetics (formerly Invitae), Labcorp
Classification: Uncertain significance for Hereditary breast ovarian cancer syndrome. Last evaluated: 2020-05-23. Review status: criteria provided, single submitter. Criteria: Invitae Variant Classification Sherloc (09022015). Collection method: clinical testing. Allele origin: germline.
Comment: This sequence change replaces aspartic acid with glycine at codon 2 of the BRCA1 protein (p.Asp2Gly). The aspartic acid residue is moderately conserved and there is a moderate physicochemical difference between aspartic acid and glycine. In summary, the available evidence is currently insufficient to determine the role of this variant in disease. Therefore, it has been classified as a Variant of Uncertain Significance. This variant has been reported to have conflicting or insufficient data to determine the effect on BRCA1 protein function (PMID: 30209399). This variant has not been reported in the literature in individuals with BRCA1-related conditions. ClinVar contains an entry for this variant (Variation ID: 868684). This variant is not present in population databases (ExAC no frequency).

Brotman Baty Institute, University of Washington
No classification provided (evidence only). Condition: Breast-ovarian cancer, familial 1. Review status: no classification provided. Collection method: in vitro. Allele origin: not applicable. Functional consequence: function_uncertain_variant. Not counted in ClinVar's aggregate classification.
ClinVar note: "not provided" was previously submitted as the classification for the variant. However, the classification appeared to be based only on an observation of functional data so it was converted to no classification on 2025-07-30.

Literature cited by the submitters: PubMed 30209399 (cited by Labcorp Genetics (formerly Invitae), Labcorp).

NM_007294.4(BRCA1):c.5A>G (p.Asp2Gly)

Gene: BRCA1 (BRCA1 DNA repair associated; minus strand). Cytogenetic location: 17q21.31.
Variant type: single nucleotide variant.
Coding change: c.5A>G on transcript NM_007294.4 (MANE Select); coding-DNA position 5, A replaced by G.
Protein change: p.Asp2Gly; replaces aspartic acid 2 with glycine.
Molecular consequence: missense variant. On other transcripts: 5 prime UTR variant (1), non-coding transcript variant (1).
Genome position (GRCh38, 1-based): chr17:43,124,092, T>C on the plus strand (A>G on the coding strand, the complement: BRCA1 is on the minus strand). VCF-style: chr17-43124092-T-C. GRCh37 (hg19) VCF-style: chr17-41276109-T-C.
Other names: c.5A>G, p.Asp2Gly (NM_001408474.1, NM_001408475.1, NM_001408476.1 and 193 more transcripts); c.-184A>G (NM_001408478.1, NM_001408479.1, NM_001408480.1 and 46 more transcripts); c.-329A>G (NM_001408482.1); c.-300A>G (NM_001408492.1, NM_001407889.1); c.-83A>G (NM_001408496.1, NM_001408498.1, NM_007297.4 and 23 more transcripts); c.-260A>G (NM_001408497.1, NM_001407741.1, NM_001407934.1); c.-256A>G (NM_001408499.1, NM_001408500.1, NM_001408503.1 and 22 more transcripts); c.-253A>G (NM_001408501.1, NM_001407724.1, NM_001407727.1 and 11 more transcripts); and 8 more; short protein forms D2G.
Identifiers: ClinVar variation 868684 (VCV000868684.12), dbSNP rs2055745664, ClinGen allele CA10602148.